The following is an entry in ClinVar:

ClinVar aggregate classification (germline): Benign/Likely benign. Review status: criteria provided, multiple submitters, no conflicts (2 of 4 stars). 4 submissions from 4 submitters: Benign (1); Likely benign (3). Last evaluated 2026-03-23.

Conditions:
Congenital contractural arachnodactyly (CCA). Also called: BEALS SYNDROME; Arthrogryposis, distal, type 9; Beals-Hecht syndrome. Identifiers: Orphanet 115, MedGen C0220668, MONDO:0007363, OMIM 121050.

Allele frequency attached by ClinVar (database versions not stated): gnomAD 0.00005 and below 0.00001; gnomAD exomes 0.00005 and 0.00011; ExAC 0.00016; 1000 Genomes Project 0.00020; 1000 Genomes Project 30x 0.00031.
gnomAD v4.1: 82 of 1,612,540 alleles (0.0051%); highest among the groups gnomAD compares: South Asian, 0.088%; no homozygotes.

Submissions (4):

Women's Health and Genetics/Laboratory Corporation of America, LabCorp
Classification: Likely benign. Last evaluated: 2026-03-23. Review status: criteria provided, single submitter. Criteria: LabCorp Variant Classification Summary - May 2015. Collection method: clinical testing. Allele origin: germline.

ARUP Laboratories, Molecular Genetics and Genomics, ARUP Laboratories
Classification: Likely benign. Last evaluated: 2024-10-16. Review status: criteria provided, single submitter. Criteria: ARUP Molecular Germline Variant Investigation Process 2024. Collection method: clinical testing. Allele origin: germline.

Labcorp Genetics (formerly Invitae), Labcorp
Classification: Benign for Congenital contractural arachnodactyly. Last evaluated: 2019-01-26. Review status: criteria provided, single submitter. Criteria: Invitae Variant Classification Sherloc (09022015). Collection method: clinical testing. Allele origin: germline.

GeneDx
Classification: Likely benign. Last evaluated: 2017-06-30. Review status: criteria provided, single submitter. Criteria: GeneDx Variant Classification (06012015). Collection method: clinical testing. Allele origin: germline. Affected: yes.
Comment: This variant is considered likely benign or benign based on one or more of the following criteria: it is a conservative change, it occurs at a poorly conserved position in the protein, it is predicted to be benign by multiple in silico algorithms, and/or has population frequency not consistent with disease.

NM_001999.4(FBN2):c.5918-10T>C

Gene: FBN2 (fibrillin 2; minus strand). Cytogenetic location: 5q23.3.
Variant type: single nucleotide variant.
Coding change: c.5918-10T>C on transcript NM_001999.4 (MANE Select); 10 bases into the intron before coding-DNA position 5918, T replaced by C.
Molecular consequence: intron variant.
Genome position (GRCh38, 1-based): chr5:128,301,520, A>G on the plus strand (T>C on the coding strand, the complement: FBN2 is on the minus strand). VCF-style: chr5-128301520-A-G. GRCh37 (hg19) VCF-style: chr5-127637212-A-G.
Identifiers: ClinVar variation 516746 (VCV000516746.12), dbSNP rs547697385, ClinGen allele CA3394544.
Genomic context (GRCh38, chr5:128,301,520, plus strand): 5'-AACGTCCATTTCTGCACACCTGACCAAAAAAGGAACTGCACTCATCTATGTCTGTAAGCA[A>G]ACAGGAGTATGTTTTTCAGAAAGAGCTCTTAACATGTATATTGTTTCACAAGACGCTACT-3'